The following is an entry in ClinVar:

NM_001205293.3(CACNA1E):c.1883+7G>T

Gene: CACNA1E (calcium voltage-gated channel subunit alpha1 E; plus strand). Cytogenetic location: 1q25.3.
Variant type: single nucleotide variant.
Coding change: c.1883+7G>T on transcript NM_001205293.3 (MANE Select); 7 bases into the intron after coding-DNA position 1883, G replaced by T.
Molecular consequence: intron variant.
Genome position (GRCh38, 1-based): chr1:181,720,344, G>T. VCF-style: chr1-181720344-G-T. GRCh37 (hg19) VCF-style: chr1-181689480-G-T.
Other names: c.1883+7G>T (NM_000721.4, NM_001205294.2).
Identifiers: ClinVar variation 3389930 (VCV003389930.14).

ClinVar aggregate classification (germline): Uncertain significance (1 of 4 stars; one submission).

Submission:

CeGaT Center for Human Genetics Tuebingen
Classification: Uncertain significance. Last evaluated: 2024-10-01. Review status: criteria provided, single submitter. Criteria: CeGaT Center For Human Genetics Tuebingen Variant Classification Criteria Version 2. Collection method: clinical testing. Allele origin: germline. Affected: yes. Observed: 1 variant allele.
Comment: CACNA1E: PM2, BP4